The following is an entry in ClinVar:

NM_003872.3(NRP2):c.1641+12T>C

Gene: NRP2 (neuropilin 2; plus strand). Cytogenetic location: 2q33.3.
Variant type: single nucleotide variant.
Coding change: c.1641+12T>C on transcript NM_003872.3 (MANE Select); 12 bases into the intron after coding-DNA position 1641, T replaced by C.
Molecular consequence: intron variant. On other transcripts: synonymous variant (1).
Genome position (GRCh38, 1-based): chr2:205,743,564, T>C. VCF-style: chr2-205743564-T-C. GRCh37 (hg19) VCF-style: chr2-206608288-T-C.
Other names: c.1653T>C, p.Ser551= (NM_201264.2); c.1641+12T>C (NM_201266.2, NM_201279.2, NM_018534.4 and 1 more transcripts).
Identifiers: ClinVar variation 4990635 (VCV004990635.1).
Genomic context (GRCh38, chr2:205,743,564, plus strand): 5'-CGGCAAGGACTGGGAATACATTCAGGACCCCAGGACCCAGCAGCCAAAGGTAGGCTGTTC[T>C]TGGAGGCCTCTGTAACGTTACCCTCAACAGGGAGGCTAAGTGTGGTACAGGGAGTTGAGA-3'

ClinVar aggregate classification (germline): Likely benign (1 of 4 stars; one submission).

Conditions:
NRP2-related disorder. Also called: NRP2-related condition.

gnomAD v4.1: 44 of 1,613,730 alleles (0.0027%); highest among the groups gnomAD compares: Non-Finnish European, 0.0037%; no homozygotes.

Submission:

PreventionGenetics, part of Exact Sciences
Classification: Likely benign for NRP2-related condition. Last evaluated: 2025-05-15. Review status: criteria provided, single submitter. Criteria: ACMG Guidelines, 2015. Collection method: clinical testing. Allele origin: germline.
Comment: This variant is classified as likely benign based on ACMG/AMP sequence variant interpretation guidelines (Richards et al. 2015 PMID: 25741868, with internal and published modifications).